The following is an entry in ClinVar:

ClinVar aggregate classification (germline): Pathogenic/Likely pathogenic. Review status: criteria provided, multiple submitters, no conflicts (2 of 4 stars). 4 submissions from 4 submitters: Pathogenic (2); Likely pathogenic (1). 1 of the submissions does not count toward it. Last evaluated 2025-08-03.

Conditions:
Tuberous sclerosis 1 (TSC1). Identifiers: Orphanet 805, MedGen C1854465, MONDO:0008612, OMIM 191100.

Submissions (4):

Dasa
Classification: Pathogenic. Last evaluated: 2025-08-03. Review status: criteria provided, single submitter. Criteria: DASA Assertion Criteria. Collection method: clinical testing. Allele origin: germline.
Comment: NM_000368.5(TSC1):c.364-2A>G introduces a premature termination codon predicted to result in loss of normal protein function. Loss-of-function is an established mechanism of disease for this gene. This variant has been reported in individuals with related phenotype (PMID: 36232477). The variant is present at low frequency in population datasets. Based on the available data, this variant is classified as pathogenic.

Labcorp Genetics (formerly Invitae), Labcorp
Classification: Pathogenic for Tuberous sclerosis 1. Last evaluated: 2025-03-05. Review status: criteria provided, single submitter. Criteria: Invitae Variant Classification Sherloc (09022015). Collection method: clinical testing. Allele origin: germline.
Comment: This sequence change affects an acceptor splice site in intron 5 of the TSC1 gene. It is expected to disrupt RNA splicing. Variants that disrupt the donor or acceptor splice site typically lead to a loss of protein function (PMID: 16199547), and loss-of-function variants in TSC1 are known to be pathogenic (PMID: 10227394, 17304050). This variant is not present in population databases (gnomAD no frequency). Disruption of this splice site has been observed in individuals with clinical features of tuberous sclerosis complex (PMID: 9863590; internal data). ClinVar contains an entry for this variant (Variation ID: 932153). Algorithms developed to predict the effect of sequence changes on RNA splicing suggest that this variant may disrupt the consensus splice site. For these reasons, this variant has been classified as Pathogenic.

Myriad Genetics, Inc.
Classification: Likely pathogenic for Tuberous sclerosis 1. Last evaluated: 2023-09-07. Review status: criteria provided, single submitter. Criteria: Myriad Autosomal Dominant, Autosomal Recessive and X-Linked Classification Criteria (2023). Collection method: clinical testing. Allele origin: unknown.
Comment: This variant is considered likely pathogenic. This variant occurs within a consensus splice junction and is predicted to result in abnormal mRNA splicing of either an out-of-frame exon or an in-frame exon necessary for protein stability and/or normal function.

Division of Genomic Medicine, Department of Advanced Medicine, Medical Research Institute, Kanazawa Medical University
Classification: Pathogenic for Tuberous sclerosis 1. Last evaluated: 2020-06-09. Review status: no assertion criteria provided. Collection method: clinical testing. Allele origin: germline. Affected: yes. Observed: 1 variant allele. Not counted in ClinVar's aggregate classification.

Literature cited by the submitters: PubMed 36232477 (cited by Dasa); PubMed 16199547 (cited by Labcorp Genetics (formerly Invitae), Labcorp); PubMed 10227394 (cited by Labcorp Genetics (formerly Invitae), Labcorp); PubMed 17304050 (cited by Labcorp Genetics (formerly Invitae), Labcorp); PubMed 9863590 (cited by Labcorp Genetics (formerly Invitae), Labcorp).

NM_000368.5(TSC1):c.364-2A>G

Gene: TSC1 (TSC complex subunit 1; minus strand). Cytogenetic location: 9q34.13.
Variant type: single nucleotide variant.
Coding change: c.364-2A>G on transcript NM_000368.5 (MANE Select); the canonical splice acceptor site of the intron before coding-DNA position 364, A replaced by G.
Molecular consequence: splice acceptor variant.
Genome position (GRCh38, 1-based): chr9:132,923,494, T>C on the plus strand (A>G on the coding strand, the complement: TSC1 is on the minus strand). VCF-style: chr9-132923494-T-C. GRCh37 (hg19) VCF-style: chr9-135798881-T-C.
Other names: c.1-2A>G (NM_001406620.1, NM_001406618.1, NM_001406625.1 and 10 more transcripts); c.211-2A>G (NM_001406613.1, NM_001406612.1, NM_001406610.1 and 2 more transcripts); c.-514-2A>G (NM_001406627.1, NM_001406628.1, NM_001406626.1); c.-656-2A>G (NM_001406629.1); c.364-2A>G (NM_001406603.1, NM_001406609.1, NM_001406597.1 and 16 more transcripts); c.-730-2A>G (NM_001406630.1).
Identifiers: ClinVar variation 932153 (VCV000932153.8), dbSNP rs1846685279, ClinGen allele CA375373792.
Genomic context (GRCh38, chr9:132,923,494, plus strand): 5'-GGTAGCATGGTTATCAACACCAAGACGCCTGTTGTGAGGACAACGACGTCAGTGTCCATC[T>C]GCAGGAGAAAAGGTCAAACAGGAAACGTCTGTCAGGCACTGGCACCAGGATCGGCATTGT-3'